The following is an entry in ClinVar:

NM_153026.3(PRICKLE1):c.857C>A (p.Ala286Asp)

Genes: PRICKLE1 (prickle planar cell polarity protein 1; minus strand), LOC126861509 (BRD4-independent group 4 enhancer GRCh37_chr12:42858567-42859766; plus strand). Cytogenetic location: 12q12.
Variant type: single nucleotide variant.
Coding change: c.857C>A on transcript NM_153026.3 (MANE Select); coding-DNA position 857, C replaced by A.
Protein change: p.Ala286Asp; replaces alanine 286 with aspartic acid.
Molecular consequence: missense variant.
Genome position (GRCh38, 1-based): chr12:42,465,177, G>T on the plus strand (C>A on the coding strand, the complement: PRICKLE1 is on the minus strand). VCF-style: chr12-42465177-G-T. GRCh37 (hg19) VCF-style: chr12-42858979-G-T.
Other names: c.857C>A, p.Ala286Asp (NM_001144881.2, NM_001144882.2, NM_001144883.2); short protein forms A286D.
Identifiers: ClinVar variation 1357954 (VCV001357954.8), dbSNP rs1361958779, ClinGen allele CA384442995.
Genomic context (GRCh38, chr12:42,465,177, plus strand): 5'-CACGTTTTTGAGCAGTAAATCTGACCCTGTTTGGGAAGGAAGGGACATCCCAACAAAGAG[G>T]CTTTACACTGGGCACAAGAAAAGCAGGCTTCCGTGGCGTGCCAGTGCTGCCCGTCATAGG-3'
Protein context (NP_694571.2, residues 276-296): EACFSCAQCK[Ala286Asp]SLLGCPFLPK

ClinVar aggregate classification (germline): Uncertain significance (1 of 4 stars; one submission).

Conditions:
Epilepsy, progressive myoclonic, 1B. Also called: PME. Identifiers: Orphanet 308, MedGen C2676254, MONDO:0012904, OMIM 612437.

Allele frequency attached by ClinVar (database versions not stated): TOPMed below 0.00001; gnomAD 0.00001.
gnomAD v4.1: 1 of 1,605,460 alleles (0.000062%); highest among the groups gnomAD compares: Non-Finnish European, 0.000085%; no homozygotes.

Submission:

Labcorp Genetics (formerly Invitae), Labcorp
Classification: Uncertain significance for Epilepsy, progressive myoclonic, 1B. Last evaluated: 2021-05-31. Review status: criteria provided, single submitter. Criteria: Invitae Variant Classification Sherloc (09022015). Collection method: clinical testing. Allele origin: germline.
Comment: In summary, the available evidence is currently insufficient to determine the role of this variant in disease. Therefore, it has been classified as a Variant of Uncertain Significance. Algorithms developed to predict the effect of missense changes on protein structure and function are either unavailable or do not agree on the potential impact of this missense change (SIFT: "Deleterious"; PolyPhen-2: "Benign"; Align-GVGD: "Class C0"). This variant has not been reported in the literature in individuals with PRICKLE1-related conditions. This variant is not present in population databases (ExAC no frequency). This sequence change replaces alanine with aspartic acid at codon 286 of the PRICKLE1 protein (p.Ala286Asp). The alanine residue is moderately conserved and there is a moderate physicochemical difference between alanine and aspartic acid.